The following is an entry in ClinVar:

ClinVar aggregate classification (germline): Uncertain significance. Review status: criteria provided, multiple submitters, no conflicts (2 of 4 stars). 2 submissions from 2 submitters: Uncertain significance (2). Last evaluated 2025-10-02.

Conditions:
Autosomal recessive limb-girdle muscular dystrophy type 2F (LGMDR6). Also called: MUSCULAR DYSTROPHY, LIMB-GIRDLE, AUTOSOMAL RECESSIVE 6; Muscular dystrophy limb-girdle with delta-sarcoglyan deficiency. Identifiers: Orphanet 219, MedGen C1832525, MONDO:0011028, OMIM 601287. Disease mechanism: Affects gamma-sarcoglycan and also disrupts the integrity of the entire sarcoglycan complex..

Submissions (2):

Labcorp Genetics (formerly Invitae), Labcorp
Classification: Uncertain significance for Autosomal recessive limb-girdle muscular dystrophy type 2F. Last evaluated: 2025-10-02. Review status: criteria provided, single submitter. Criteria: Invitae Variant Classification Sherloc (09022015). Collection method: clinical testing. Allele origin: germline.
Comment: This variant, c.313_315del, results in the deletion of 1 amino acid(s) of the SGCD protein (p.Lys105del), but otherwise preserves the integrity of the reading frame. This variant is not present in population databases (gnomAD no frequency). This variant has not been reported in the literature in individuals affected with SGCD-related conditions. ClinVar contains an entry for this variant (Variation ID: 1052146). Experimental studies and prediction algorithms are not available or were not evaluated, and the functional significance of this variant is currently unknown. In summary, the available evidence is currently insufficient to determine the role of this variant in disease. Therefore, it has been classified as a Variant of Uncertain Significance.

Revvity Omics, Revvity
Classification: Uncertain significance. Last evaluated: 2020-03-16. Review status: criteria provided, single submitter. Criteria: ACMG Guidelines, 2015. Collection method: clinical testing. Allele origin: germline.

NM_000337.6(SGCD):c.313_315del (p.Lys105del)

Gene: SGCD (sarcoglycan delta; plus strand). Cytogenetic location: 5q33.3.
Variant type: Deletion.
Coding change: c.313_315del on transcript NM_000337.6 (MANE Select); coding-DNA positions 313 to 315, 3 bases deleted (AAG; older notation c.313_315delAAG).
Protein change: p.Lys105del; deletes lysine 105.
Molecular consequence: inframe deletion.
Genome position (GRCh38, 1-based): chr5:156,589,249-156,589,251, AAG deleted. VCF-style (leftmost placement, unchanged base first): chr5-156589248-CAAG-C. GRCh37 (hg19) VCF-style: chr5-156016258-CAAG-C.
Other names: c.310_312del, p.Lys104del (NM_001128209.2); c.313_315del, p.Lys105del (NM_172244.3); c.313_315del (NM_000337.5); short protein forms K104del, K105del.
Identifiers: ClinVar variation 1052146 (VCV001052146.15), dbSNP rs1760622721, ClinGen allele CA1593776537.